The following is an entry in ClinVar:

NM_001348768.2(HECW2):c.3371C>T (p.Pro1124Leu)

Gene: HECW2 (HECT, C2 and WW domain containing E3 ubiquitin protein ligase 2; minus strand). Cytogenetic location: 2q32.3.
Variant type: single nucleotide variant.
Coding change: c.3371C>T on transcript NM_001348768.2 (MANE Select); coding-DNA position 3371, C replaced by T.
Protein change: p.Pro1124Leu; replaces proline 1124 with leucine.
Molecular consequence: missense variant.
Genome position (GRCh38, 1-based): chr2:196,257,871, G>A on the plus strand (C>T on the coding strand, the complement: HECW2 is on the minus strand). VCF-style: chr2-196257871-G-A. GRCh37 (hg19) VCF-style: chr2-197122595-G-A.
Other names: c.2303C>T, p.Pro768Leu (NM_001304840.3); c.3371C>T, p.Pro1124Leu (NM_020760.4); short protein forms P1124L, P768L.
Identifiers: ClinVar variation 4685161 (VCV004685161.1).
Genomic context (GRCh38, chr2:196,257,871, plus strand): 5'-TTACGTATGTACCTCAGCAACATAACAAGGTCTGCATCGCTTGAAAGGCGCACCAATCCT[G>A]GAGTCCCTTCAGTTCGGATAAATTGGATCTTCTCCCTAATCAAGAAAAGAAACAGCACAA-3'
Protein context (NP_001335697.1, residues 1114-1134): KIQFIRTEGT[Pro1124Leu]GLVRLSSDAD

ClinVar aggregate classification (germline): Uncertain significance (1 of 4 stars; one submission).

Submission:

GeneDx
Classification: Uncertain significance. Last evaluated: 2025-06-25. Review status: criteria provided, single submitter. Criteria: GeneDx Variant Classification Process June 2021. Collection method: clinical testing. Allele origin: germline. Affected: yes.
Comment: Not observed at significant frequency in large population cohorts (gnomAD); In silico analysis supports that this missense variant has a deleterious effect on protein structure/function; Has not been previously published as pathogenic or benign to our knowledge